The following is an entry in ClinVar:

NM_001135022.2(ELMOD3):c.427C>G (p.Pro143Ala)

Gene: ELMOD3 (ELMO domain containing 3; plus strand). Cytogenetic location: 2p11.2.
Variant type: single nucleotide variant.
Coding change: c.427C>G on transcript NM_001135022.2 (MANE Select); coding-DNA position 427, C replaced by G.
Protein change: p.Pro143Ala; replaces proline 143 with alanine.
Molecular consequence: missense variant. On other transcripts: non-coding transcript variant (3).
Genome position (GRCh38, 1-based): chr2:85,371,152, C>G. VCF-style: chr2-85371152-C-G. GRCh37 (hg19) VCF-style: chr2-85598275-C-G.
Other names: c.427C>G, p.Pro143Ala (NM_001135021.2, NM_001135023.2, NM_001329791.2 and 3 more transcripts); c.427C>G (NM_001135021.1, NM_032213.4); short protein forms P143A.
Identifiers: ClinVar variation 2194373 (VCV002194373.9), dbSNP rs143960314, ClinGen allele CA1740334.
Genomic context (GRCh38, chr2:85,371,152, plus strand): 5'-ATCCAGCCAACTATTCGAAGGACTGGGCTCGCCGCCCTCCGACACTACCTCTTCGGGCCT[C>G]CAAAGCTCCACCAGCGCCTTCGGGAAGAAAGGGACTTGGTCCTGACCATTGCTCAGTGTG-3'
Protein context (NP_001128494.1, residues 133-153): AALRHYLFGP[Pro143Ala]KLHQRLREER

ClinVar aggregate classification (germline): Uncertain significance. Review status: criteria provided, multiple submitters, no conflicts (2 of 4 stars). 4 submissions from 4 submitters: Uncertain significance (4). Last evaluated 2026-03-31.

Conditions:
ELMOD3-related disorder. Also called: ELMOD3-related condition.
Autosomal recessive nonsyndromic hearing loss 88. Also called: Deafness, autosomal recessive 88. Identifiers: Orphanet 90636, MedGen C2829267, MONDO:0014182, OMIM 615429.

Allele frequency attached by ClinVar (database versions not stated): ExAC 0.00003; gnomAD 0.00006; gnomAD exomes 0.00006; TOPMed 0.00007; ESP Exome Variant Server 0.00015.
gnomAD v4.1: 98 of 1,614,162 alleles (0.0061%); highest among the groups gnomAD compares: Admixed American, 0.0083%; no homozygotes.

Submissions (4):

PreventionGenetics, part of Exact Sciences
Classification: Uncertain significance for ELMOD3-related condition. Last evaluated: 2026-03-31. Review status: criteria provided, single submitter. Criteria: ACMG Guidelines, 2015. Collection method: clinical testing. Allele origin: germline.
Comment: The ELMOD3 c.427C>G variant is predicted to result in the amino acid substitution p.Pro143Ala. To our knowledge, this variant has not been reported in the literature. This variant is reported in 0.0085% of alleles in individuals of Latino descent in gnomAD. At this time, the clinical significance of this variant is uncertain due to the absence of conclusive functional and genetic evidence.

Ambry Genetics
Classification: Uncertain significance. Last evaluated: 2025-03-27. Review status: criteria provided, single submitter. Criteria: Ambry Variant Classification Scheme 2023. Collection method: clinical testing. Allele origin: germline.

Blueprint Genetics
Classification: Uncertain significance. Last evaluated: 2023-09-13. Review status: criteria provided, single submitter. Criteria: ACMG Guidelines, 2015. Collection method: clinical testing. Allele origin: germline.

Labcorp Genetics (formerly Invitae), Labcorp
Classification: Uncertain significance. Last evaluated: 2023-07-20. Review status: criteria provided, single submitter. Criteria: Invitae Variant Classification Sherloc (09022015). Collection method: clinical testing. Allele origin: germline.
Comment: ClinVar contains an entry for this variant (Variation ID: 2194373). Advanced modeling of protein sequence and biophysical properties (such as structural, functional, and spatial information, amino acid conservation, physicochemical variation, residue mobility, and thermodynamic stability) performed at Invitae indicates that this missense variant is not expected to disrupt ELMOD3 protein function. In summary, the available evidence is currently insufficient to determine the role of this variant in disease. Therefore, it has been classified as a Variant of Uncertain Significance. This variant has not been reported in the literature in individuals affected with ELMOD3-related conditions. This sequence change replaces proline, which is neutral and non-polar, with alanine, which is neutral and non-polar, at codon 143 of the ELMOD3 protein (p.Pro143Ala). This variant is present in population databases (rs143960314, gnomAD 0.009%).